The following is an entry in ClinVar:

NM_000057.4(BLM):c.3314C>T (p.Pro1105Leu)

Gene: BLM (BLM RecQ like helicase; plus strand). Cytogenetic location: 15q26.1.
Variant type: single nucleotide variant.
Coding change: c.3314C>T on transcript NM_000057.4 (MANE Select); coding-DNA position 3314, C replaced by T.
Protein change: p.Pro1105Leu; replaces proline 1105 with leucine.
Molecular consequence: missense variant.
Genome position (GRCh38, 1-based): chr15:90,798,293, C>T. VCF-style: chr15-90798293-C-T. GRCh37 (hg19) VCF-style: chr15-91341523-C-T.
Other names: c.2189C>T, p.Pro730Leu (NM_001287248.2); c.3314C>T, p.Pro1105Leu (NM_001287246.2, NM_001287247.2); short protein forms P730L, P1105L.
Identifiers: ClinVar variation 1730120 (VCV001730120.8), dbSNP rs200993043, ClinGen allele CA274770447.

ClinVar aggregate classification (germline): Uncertain significance. Review status: criteria provided, multiple submitters, no conflicts (2 of 4 stars). 2 submissions from 2 submitters: Uncertain significance (2). Last evaluated 2026-01-18.

Conditions:
Hereditary cancer-predisposing syndrome. Also called: Neoplastic Syndromes, Hereditary; Tumor predisposition; Hereditary Cancer Syndrome; Hereditary neoplastic syndrome. Identifiers: Orphanet 140162, MedGen C0027672, MeSH D009386, MONDO:0015356.
Bloom syndrome (BLM). Also called: Bloom-Torre-Machacek syndrome. Identifiers: Orphanet 125, MedGen C0005859, MONDO:0008876, OMIM 210900.

Allele frequency attached by ClinVar (database versions not stated): gnomAD exomes below 0.00001; TOPMed below 0.00001; gnomAD 0.00001.
gnomAD v4.1: 3 of 1,612,728 alleles (0.00019%); highest among the groups gnomAD compares: Non-Finnish European, 0.00025%; no homozygotes.

Submissions (2):

Labcorp Genetics (formerly Invitae), Labcorp
Classification: Uncertain significance for Bloom syndrome. Last evaluated: 2026-01-18. Review status: criteria provided, single submitter. Criteria: Invitae Variant Classification Sherloc (09022015). Collection method: clinical testing. Allele origin: germline.
Comment: This sequence change replaces proline, which is neutral and non-polar, with leucine, which is neutral and non-polar, at codon 1105 of the BLM protein (p.Pro1105Leu). This variant is not present in population databases (gnomAD no frequency). This variant has not been reported in the literature in individuals affected with BLM-related conditions. ClinVar contains an entry for this variant (Variation ID: 1730120). Invitae Evidence Modeling of protein sequence and biophysical properties (such as structural, functional, and spatial information, amino acid conservation, physicochemical variation, residue mobility, and thermodynamic stability) indicates that this missense variant is not expected to disrupt BLM protein function with a negative predictive value of 80%. In summary, the available evidence is currently insufficient to determine the role of this variant in disease. Therefore, it has been classified as a Variant of Uncertain Significance.

Ambry Genetics
Classification: Uncertain significance for Hereditary cancer-predisposing syndrome. Last evaluated: 2024-06-22. Review status: criteria provided, single submitter. Criteria: Ambry Variant Classification Scheme 2023. Collection method: clinical testing. Allele origin: germline.
Comment: The p.P1105L variant (also known as c.3314C>T), located in coding exon 16 of the BLM gene, results from a C to T substitution at nucleotide position 3314. The proline at codon 1105 is replaced by leucine, an amino acid with similar properties. This amino acid position is conserved. In addition, this alteration is predicted to be tolerated by in silico analysis. Since supporting evidence is limited at this time, the clinical significance of this alteration remains unclear.